The following is an entry in ClinVar:

ClinVar aggregate classification (germline): Uncertain significance (1 of 4 stars; one submission).

Submission:

CeGaT Center for Human Genetics Tuebingen
Classification: Uncertain significance. Last evaluated: 2024-12-01. Review status: criteria provided, single submitter. Criteria: CeGaT Center For Human Genetics Tuebingen Variant Classification Criteria Version 2. Collection method: clinical testing. Allele origin: germline. Affected: yes. Observed: 1 variant allele.
Comment: ATP5F1A: PM2, PM4:Supporting

NM_004046.6(ATP5F1A):c.820GTG[1] (p.Val275del)

Gene: ATP5F1A (ATP synthase F1 subunit alpha; minus strand). Cytogenetic location: 18q21.1.
Variant type: Microsatellite.
Coding change: c.820GTG[1] on transcript NM_004046.6 (MANE Select); one copy of the 3-base unit GTG starting at c.820; the reference has two copies in a row; one copy, 3 bases deleted.
Protein change: p.Val275del; deletes valine 275.
Genome position (GRCh38, 1-based): chr18:46,087,467-46,087,469, CAC deleted on the plus strand (GTG on the coding strand, the reverse complement: ATP5F1A is on the minus strand); deleting any 3 consecutive bases within chr18:46,087,467-46,087,472 gives the same sequence; the position shown is the placement nearest the transcript's 3' end. VCF-style (leftmost placement, unchanged base first): chr18-46087466-ACAC-A. GRCh37 (hg19) VCF-style: chr18-43667432-ACAC-A.
Other names: c.670GTG[1], p.Val225del (NM_001001935.3, NM_001257335.2); c.820GTG[1], p.Val275del (NM_001001937.2); c.754GTG[1], p.Val253del (NM_001257334.2); short protein forms V225del, V253del, V275del.
Identifiers: ClinVar variation 3772080 (VCV003772080.13).